The following is an entry in ClinVar:

NM_001197104.2(KMT2A):c.6445C>T (p.Arg2149Ter)

Gene: KMT2A (lysine methyltransferase 2A; plus strand). Cytogenetic location: 11q23.3.
Variant type: single nucleotide variant.
Coding change: c.6445C>T on transcript NM_001197104.2 (MANE Select); coding-DNA position 6445, C replaced by T.
Protein change: p.Arg2149Ter; replaces arginine 2149 with a stop codon.
Molecular consequence: nonsense.
Genome position (GRCh38, 1-based): chr11:118,501,797, C>T. VCF-style: chr11-118501797-C-T. GRCh37 (hg19) VCF-style: chr11-118372512-C-T.
Other names: c.6436C>T, p.Arg2146Ter (NM_005933.4); c.6445C>T (NM_001197104.1); short protein forms R2146*, R2149*.
Identifiers: ClinVar variation 1236165 (VCV001236165.3), dbSNP rs781843315, ClinGen allele CA382801870.
Genomic context (GRCh38, chr11:118,501,797, plus strand): 5'-CCTCATTCACAAACCTCTGGCTCCTGTTATTATCATGTCATCTCAAAGGTCCCCAGGATT[C>T]GAACACCCAGTTATTCTCCAACACAGAGATCCCCTGGCTGTCGACCGTTGCCTTCTGCAG-3'

ClinVar aggregate classification (germline): Pathogenic/Likely pathogenic. Review status: criteria provided, multiple submitters, no conflicts (2 of 4 stars). 3 submissions from 3 submitters: Pathogenic (2); Likely pathogenic (1). Last evaluated 2023-03-24.

Conditions:
Wiedemann-Steiner syndrome (WDSTS). Also called: Growth deficiency and mental retardation with facial dysmorphism. Identifiers: Orphanet 319182, MedGen C1854630, MONDO:0011518, OMIM 605130.

Submissions (3):

GeneDx
Classification: Pathogenic. Last evaluated: 2023-03-24. Review status: criteria provided, single submitter. Criteria: GeneDx Variant Classification Process June 2021. Collection method: clinical testing. Allele origin: germline. Affected: yes.
Comment: Reported in an individual with Wiedemann-Steiner syndrome (Sheppard et al., 2021); Nonsense variant predicted to result in protein truncation or nonsense mediated decay in a gene for which loss of function is a known mechanism of disease; Not observed at significant frequency in large population cohorts (gnomAD); This variant is associated with the following publications: (PMID: 33783954)

Victorian Clinical Genetics Services, Murdoch Childrens Research Institute
Classification: Pathogenic for Wiedemann-Steiner syndrome. Last evaluated: 2022-02-02. Review status: criteria provided, single submitter. Criteria: ACMG Guidelines, 2015. Collection method: clinical testing. Allele origin: germline. Inheritance: Autosomal dominant inheritance.
Comment: Based on the classification scheme VCGS_Germline_v1.3.4, this variant is classified as Pathogenic. Following criteria are met: 0102 - Loss of function is a known mechanism of disease in this gene and is associated with Wiedemann-Steiner syndrome (MIM#605130). (I) 0107 - This gene is associated with autosomal dominant disease. (I) 0201 - Variant is predicted to cause nonsense-mediated decay (NMD) and loss of protein (premature termination codon is located at least 54 nucleotides upstream of the final exon-exon junction). (SP) 0251 - This variant is heterozygous. (I) 0301 - Variant is absent from gnomAD (both v2 and v3). (SP) 0701 - Other NMD-predicted variants comparable to the one identified in this case have very strong previous evidence for pathogenicity. Variants predicted to result in NMD are well-reported in patients with Wiedemann-Steiner syndrome in ClinVar, DECIPHER, and the literature (PMID: 25810209). (SP) 0803 - This variant has limited previous evidence of pathogenicity in an unrelated individual. This variant is reported as pathogenic in the LOVD database. (SP) 0905 - No published segregation evidence has been identified for this variant. (I) 1007 - No published functional evidence has been identified for this variant. (SP) Legend: (SP) - Supporting pathogenic, (I) - Information, (SB) - Supporting benign

Suma Genomics
Classification: Likely pathogenic for Wiedemann-Steiner syndrome. Review status: criteria provided, single submitter. Criteria: ACMG Guidelines, 2015. Collection method: clinical testing. Allele origin: de novo. Inheritance: Autosomal dominant inheritance. Affected: yes.

Literature cited by the submitters: PubMed 25810209 (cited by Victorian Clinical Genetics Services, Murdoch Childrens Research Institute).